The following is an entry in ClinVar:

ClinVar aggregate classification (germline): Likely benign. Review status: criteria provided, single submitter (1 of 4 stars). 2 submissions from 2 submitters: Likely benign (1). 1 of the submissions does not count toward it. Last evaluated 2024-10-15.

Conditions:
Joubert syndrome. Also called: CEREBELLOPARENCHYMAL DISORDER IV; JOUBERT-BOLTSHAUSER SYNDROME; Familial aplasia of the vermis. Identifiers: Orphanet 475, MedGen C5979921, MONDO:0018772.
Nephronophthisis. Also called: Juvenile Nephronophthisis. Identifiers: Orphanet 655, MedGen C0687120, MONDO:0019005, HP:0000090.
Meckel-Gruber syndrome. Also called: DYSENCEPHALIA SPLANCHNOCYSTICA; GRUBER SYNDROME; Dysencephalia splachnocystica. Identifiers: Orphanet 564, MedGen C0265215, MONDO:0018921.
CEP290-related disorder. Also called: CEP290-related disorders; CEP290-related condition. Identifiers: MedGen CN239314.

Allele frequency attached by ClinVar (database versions not stated): gnomAD exomes below 0.00001; gnomAD 0.00002.
gnomAD v4.1: 7 of 1,468,026 alleles (0.00048%); highest among the groups gnomAD compares: Admixed American, 0.0097%; no homozygotes.

Submissions (2):

Labcorp Genetics (formerly Invitae), Labcorp
Classification: Likely benign for Joubert syndrome; Meckel-Gruber syndrome; Nephronophthisis. Last evaluated: 2024-10-15. Review status: criteria provided, single submitter. Criteria: Invitae Variant Classification Sherloc (09022015). Collection method: clinical testing. Allele origin: germline.

PreventionGenetics, part of Exact Sciences
Classification: Likely benign for CEP290-related condition. Last evaluated: 2023-07-21. Review status: no assertion criteria provided. Collection method: clinical testing. Allele origin: germline. Not counted in ClinVar's aggregate classification.
Comment: This variant is classified as likely benign based on ACMG/AMP sequence variant interpretation guidelines (Richards et al. 2015 PMID: 25741868, with internal and published modifications).

NM_025114.4(CEP290):c.2424C>T (p.Tyr808=)

Gene: CEP290 (centrosomal protein 290; minus strand). Cytogenetic location: 12q21.32.
Variant type: single nucleotide variant.
Coding change: c.2424C>T on transcript NM_025114.4 (MANE Select); coding-DNA position 2424, C replaced by T.
Protein change: p.Tyr808=; no amino-acid change (tyrosine 808 retained).
Molecular consequence: synonymous variant.
Genome position (GRCh38, 1-based): chr12:88,109,125, G>A on the plus strand (C>T on the coding strand, the complement: CEP290 is on the minus strand). VCF-style: chr12-88109125-G-A. GRCh37 (hg19) VCF-style: chr12-88502902-G-A.
Other names: c.2424C>T (NM_025114.3).
Identifiers: ClinVar variation 1113733 (VCV001113733.10), dbSNP rs911134690, ClinGen allele CA241149234.